The following is an entry in ClinVar:

NM_000088.4(COL1A1):c.2065G>A (p.Gly689Ser)

Gene: COL1A1 (collagen type I alpha 1 chain; minus strand). Cytogenetic location: 17q21.33.
Variant type: single nucleotide variant.
Coding change: c.2065G>A on transcript NM_000088.4 (MANE Select); coding-DNA position 2065, G replaced by A.
Protein change: p.Gly689Ser; replaces glycine 689 with serine.
Molecular consequence: missense variant.
Genome position (GRCh38, 1-based): chr17:50,191,850, C>T on the plus strand (G>A on the coding strand, the complement: COL1A1 is on the minus strand). VCF-style: chr17-50191850-C-T. GRCh37 (hg19) VCF-style: chr17-48269211-C-T.
Other names: short protein forms G689S.
Identifiers: ClinVar variation 4282345 (VCV004282345.1).

ClinVar aggregate classification (germline): Likely pathogenic (1 of 4 stars; one submission).

Submission:

GeneDx
Classification: Likely pathogenic. Last evaluated: 2025-04-08. Review status: criteria provided, single submitter. Criteria: GeneDx Variant Classification Process June 2021. Collection method: clinical testing. Allele origin: germline. Affected: yes.
Comment: Identified in a patient with osteogenesis imperfecta in published literature (PMID: 12870654); Occurs in the triple helical domain and replaces a glycine in a canonical Gly-X-Y repeat; missense substitution of a canonical glycine residue is expected to disrupt normal protein folding and function, and this is an established mechanism of disease (PMID: 34007986); Not observed at significant frequency in large population cohorts (gnomAD); In silico analysis supports that this missense variant has a deleterious effect on protein structure/function; Also known as G511S; This variant is associated with the following publications: (PMID: 34007986, 12870654)